The following is an entry in ClinVar:

ClinVar aggregate classification (germline): Uncertain significance (1 of 4 stars; one submission).

Submission:

GeneDx
Classification: Uncertain significance. Last evaluated: 2025-05-15. Review status: criteria provided, single submitter. Criteria: GeneDx Variant Classification Process June 2021. Collection method: clinical testing. Allele origin: germline. Affected: yes.
Comment: Not observed at significant frequency in large population cohorts (gnomAD); In silico analysis supports that this missense variant has a deleterious effect on protein structure/function; Has not been previously published as pathogenic or benign to our knowledge

NM_001904.4(CTNNB1):c.1221G>T (p.Gln407His)

Genes: CTNNB1 (catenin beta 1; plus strand), LOC126806659 (BRD4-independent group 4 enhancer GRCh37_chr3:41274918-41276117; plus strand). Cytogenetic location: 3p22.1.
Variant type: single nucleotide variant.
Coding change: c.1221G>T on transcript NM_001904.4 (MANE Select); coding-DNA position 1221, G replaced by T.
Protein change: p.Gln407His; replaces glutamine 407 with histidine.
Molecular consequence: missense variant.
Genome position (GRCh38, 1-based): chr3:41,233,564, G>T. VCF-style: chr3-41233564-G-T. GRCh37 (hg19) VCF-style: chr3-41275055-G-T.
Other names: c.1221G>T, p.Gln407His (NM_001098209.2, NM_001098210.2, NM_001438871.1 and 4 more transcripts); c.1200G>T, p.Gln400His (NM_001330729.2); short protein forms Q400H, Q407H.
Identifiers: ClinVar variation 4529876 (VCV004529876.1).